The following is an entry in ClinVar:

ClinVar aggregate classification (germline): Likely pathogenic (1 of 4 stars; one submission).

Submission:

Labcorp Genetics (formerly Invitae), Labcorp
Classification: Likely pathogenic. Last evaluated: 2025-03-17. Review status: criteria provided, single submitter. Criteria: Invitae Variant Classification Sherloc (09022015). Collection method: clinical testing. Allele origin: germline.
Comment: This sequence change replaces leucine, which is neutral and non-polar, with proline, which is neutral and non-polar, at codon 414 of the ALPL protein (p.Leu414Pro). This variant is not present in population databases (gnomAD no frequency). This variant has not been reported in the literature in individuals affected with ALPL-related conditions. ClinVar contains an entry for this variant (Variation ID: 2893967). Invitae Evidence Modeling of protein sequence and biophysical properties (such as structural, functional, and spatial information, amino acid conservation, physicochemical variation, residue mobility, and thermodynamic stability) indicates that this missense variant is expected to disrupt ALPL protein function with a positive predictive value of 95%. This variant disrupts the p.Leu414 amino acid residue in ALPL. Other variant(s) that disrupt this residue have been determined to be pathogenic (PMID: 11855933, 12920074, 19500388, 25731960). This suggests that this residue is clinically significant, and that variants that disrupt this residue are likely to be disease-causing. In summary, the currently available evidence indicates that the variant is pathogenic, but additional data are needed to prove that conclusively. Therefore, this variant has been classified as Likely Pathogenic.

Literature cited by the submitters: PubMed 11855933; PubMed 12920074; PubMed 19500388; PubMed 25731960.

NM_000478.6(ALPL):c.1241T>C (p.Leu414Pro)

Gene: ALPL (alkaline phosphatase, biomineralization associated; plus strand). Cytogenetic location: 1p36.12.
Variant type: single nucleotide variant.
Coding change: c.1241T>C on transcript NM_000478.6 (MANE Select); coding-DNA position 1241, T replaced by C.
Protein change: p.Leu414Pro; replaces leucine 414 with proline.
Molecular consequence: missense variant.
Genome position (GRCh38, 1-based): chr1:21,576,573, T>C. VCF-style: chr1-21576573-T-C. GRCh37 (hg19) VCF-style: chr1-21903066-T-C.
Other names: c.1076T>C, p.Leu359Pro (NM_001127501.4); c.1010T>C, p.Leu337Pro (NM_001177520.3); c.1241T>C, p.Leu414Pro (NM_001369803.2, NM_001369804.2, NM_001369805.2); short protein forms L337P, L359P, L414P.
Identifiers: ClinVar variation 2893967 (VCV002893967.3), dbSNP rs2545347375, ClinGen allele CA338881763.